The following is an entry in ClinVar:

NM_014363.6(SACS):c.7679A>G (p.Glu2560Gly)

Gene: SACS (sacsin molecular chaperone; minus strand). Cytogenetic location: 13q12.12.
Variant type: single nucleotide variant.
Coding change: c.7679A>G on transcript NM_014363.6 (MANE Select); coding-DNA position 7679, A replaced by G.
Protein change: p.Glu2560Gly; replaces glutamic acid 2560 with glycine.
Molecular consequence: missense variant.
Genome position (GRCh38, 1-based): chr13:23,336,197, T>C on the plus strand (A>G on the coding strand, the complement: SACS is on the minus strand). VCF-style: chr13-23336197-T-C. GRCh37 (hg19) VCF-style: chr13-23910336-T-C.
Other names: p.Glu2560Gly; c.7238A>G, p.Glu2413Gly (NM_001278055.2); short protein forms E2413G, E2560G.
Identifiers: ClinVar variation 2072442 (VCV002072442.5), dbSNP rs770540338, ClinGen allele CA6910875.

ClinVar aggregate classification (germline): Conflicting classifications of pathogenicity. Review status: criteria provided, conflicting classifications (1 of 4 stars). 2 submissions from 2 submitters: Uncertain significance (1); Likely benign (1). Last evaluated 2025-10-29.

Conditions:
Spastic paraplegia. Identifiers: MedGen C0037772, HP:0001258.

Allele frequency attached by ClinVar (database versions not stated): gnomAD 0.00001; gnomAD exomes 0.00002; TOPMed 0.00002; ExAC 0.00005.
gnomAD v4.1: 26 of 1,613,978 alleles (0.0016%); highest among the groups gnomAD compares: Admixed American, 0.013%; no homozygotes.

Submissions (2):

Labcorp Genetics (formerly Invitae), Labcorp
Classification: Likely benign for Spastic paraplegia. Last evaluated: 2025-10-29. Review status: criteria provided, single submitter. Criteria: Invitae Variant Classification Sherloc (09022015). Collection method: clinical testing. Allele origin: germline.

Mayo Clinic Laboratories, Mayo Clinic
Classification: Uncertain significance. Last evaluated: 2025-08-24. Review status: criteria provided, single submitter. Criteria: ACMG Guidelines, 2015. Collection method: clinical testing. Allele origin: germline. Observed: 1 variant allele.
Comment: PP3_moderate